The following is an entry in ClinVar:

ClinVar aggregate classification (germline): Pathogenic. Review status: criteria provided, multiple submitters, no conflicts (2 of 4 stars). 2 submissions from 2 submitters: Pathogenic (2). Last evaluated 2022-01-03.

Conditions:
Ehlers-Danlos syndrome, arthrochalasia type. Also called: ARTHROCHALASIS MULTIPLEX CONGENITA; EDS VII, MUTANT PROCOLLAGEN TYPE; EDS VIIA; Ehlers-Danlos syndrome, arthrochalasis type; Ehlers-Danlos syndrome, arthrochalasia type, 1. Identifiers: Orphanet 1899, Orphanet 99875, Orphanet 99876, MedGen C4551623, MONDO:0007525, OMIM 130060.

Submissions (2):

3billion
Classification: Pathogenic for Ehlers-Danlos syndrome, arthrochalasia type. Last evaluated: 2022-01-03. Review status: criteria provided, single submitter. Criteria: ACMG Guidelines, 2015. Collection method: clinical testing. Allele origin: germline. Affected: yes. Observed: 1 heterozygote.
Comment: Canonical splice site: predicted to alter splicing and result in a loss or disruption of normal protein function through protein truncation. Multiple pathogenic variants are reported in the predicted truncated region (PVS1_VS). It is not observed in the gnomAD v2.1.1 dataset (PM2_M). The variant has been reported to be associated with COL1A1 related disorder (ClinVar ID: VCV000489067). Therefore, this variant is classified as pathogenic according to the recommendation of ACMG/AMP guideline.

GeneDx
Classification: Pathogenic. Last evaluated: 2017-10-06. Review status: criteria provided, single submitter. Criteria: GeneDx Variant Classification (06012015). Collection method: clinical testing. Allele origin: germline. Affected: yes.
Comment: The c.472-1 variant in the COL1A1 gene has not been reported previously as a pathogenic variant nor as a benign variant, to our knowledge. This splice site variant destroys the canonical splice acceptor site in intron 5, which is predicted to cause abnormal gene splicing. The c.472-1 variant is not observed in large population cohorts (Lek et al., 2016). We interpret c.472-1 as a pathogenic variant.

NM_000088.4(COL1A1):c.472-1G>T

Gene: COL1A1 (collagen type I alpha 1 chain; minus strand). Cytogenetic location: 17q21.33.
Variant type: single nucleotide variant.
Coding change: c.472-1G>T on transcript NM_000088.4 (MANE Select); the canonical splice acceptor site of the intron before coding-DNA position 472, G replaced by T.
Molecular consequence: splice acceptor variant.
Genome position (GRCh38, 1-based): chr17:50,198,505, C>A on the plus strand (G>T on the coding strand, the complement: COL1A1 is on the minus strand). VCF-style: chr17-50198505-C-A. GRCh37 (hg19) VCF-style: chr17-48275866-C-A.
Identifiers: ClinVar variation 489067 (VCV000489067.2), dbSNP rs72667020, ClinGen allele CA400226471.